The following is an entry in ClinVar:

NM_001256789.3(CACNA1F):c.3829T>C (p.Ser1277Pro)

Gene: CACNA1F (calcium voltage-gated channel subunit alpha1 F; minus strand). Cytogenetic location: Xp11.23.
Variant type: single nucleotide variant.
Coding change: c.3829T>C on transcript NM_001256789.3 (MANE Select); coding-DNA position 3829, T replaced by C.
Protein change: p.Ser1277Pro; replaces serine 1277 with proline.
Molecular consequence: missense variant.
Genome position (GRCh38, 1-based): chrX:49,212,780, A>G on the plus strand (T>C on the coding strand, the complement: CACNA1F is on the minus strand). VCF-style: chrX-49212780-A-G. GRCh37 (hg19) VCF-style: chrX-49069240-A-G.
Other names: c.3667T>C, p.Ser1223Pro (NM_001256790.3); c.3862T>C, p.Ser1288Pro (NM_005183.4); short protein forms S1288P, S1277P, S1223P.
Identifiers: ClinVar variation 2119994 (VCV002119994.4), dbSNP rs1217361734, ClinGen allele CA412962442.

ClinVar aggregate classification (germline): Uncertain significance (1 of 4 stars; one submission).

Allele frequency attached by ClinVar (database versions not stated): gnomAD exomes below 0.00001; TOPMed below 0.00001; gnomAD 0.00001.
gnomAD v4.1: 2 of 1,208,113 alleles (0.00017%); highest among the groups gnomAD compares: Admixed American, 0.0044%; no homozygotes.

Submission:

Labcorp Genetics (formerly Invitae), Labcorp
Classification: Uncertain significance. Last evaluated: 2022-07-31. Review status: criteria provided, single submitter. Criteria: Invitae Variant Classification Sherloc (09022015). Collection method: clinical testing. Allele origin: germline.
Comment: In summary, the available evidence is currently insufficient to determine the role of this variant in disease. Therefore, it has been classified as a Variant of Uncertain Significance. Algorithms developed to predict the effect of missense changes on protein structure and function are either unavailable or do not agree on the potential impact of this missense change (SIFT: "Tolerated"; PolyPhen-2: "Possibly Damaging"; Align-GVGD: "Class C0"). This variant has not been reported in the literature in individuals affected with CACNA1F-related conditions. The frequency data for this variant in the population databases is considered unreliable, as metrics indicate poor data quality at this position in the gnomAD database. This sequence change replaces serine, which is neutral and polar, with proline, which is neutral and non-polar, at codon 1288 of the CACNA1F protein (p.Ser1288Pro).